The following is an entry in ClinVar:

NM_000038.6(APC):c.2857A>C (p.Lys953Gln)

Gene: APC (APC regulator of Wnt signaling pathway; plus strand). Cytogenetic location: 5q22.2.
Variant type: single nucleotide variant.
Coding change: c.2857A>C on transcript NM_000038.6 (MANE Select); coding-DNA position 2857, A replaced by C.
Protein change: p.Lys953Gln; replaces lysine 953 with glutamine.
Molecular consequence: missense variant. On other transcripts: non-coding transcript variant (2).
Genome position (GRCh38, 1-based): chr5:112,838,451, A>C. VCF-style: chr5-112838451-A-C. GRCh37 (hg19) VCF-style: chr5-112174148-A-C.
Other names: c.2911A>C, p.Lys971Gln (NM_001407449.1, NM_001407447.1, NM_001407448.1 and 1 more transcripts); c.2857A>C, p.Lys953Gln (NM_001407450.1, NM_001127510.3, NM_001354895.2); c.2836A>C, p.Lys946Gln (NM_001407451.1); c.2827A>C, p.Lys943Gln (NM_001407452.1); c.2680A>C, p.Lys894Gln (NM_001407453.1, NM_001354901.2); c.2608A>C, p.Lys870Gln (NM_001407454.1, NM_001407455.1, NM_001407456.1 and 1 more transcripts); c.2554A>C, p.Lys852Gln (NM_001407458.1, NM_001354903.2, NM_001407459.1 and 1 more transcripts); c.2479A>C, p.Lys827Gln (NM_001354904.2); and 11 more; short protein forms K862Q, K870Q, K912Q, K935Q, K827Q, K852Q, K925Q, K928Q.
Identifiers: ClinVar variation 4121849 (VCV004121849.2).

ClinVar aggregate classification (germline): Uncertain significance. Review status: criteria provided, multiple submitters, no conflicts (2 of 4 stars). 2 submissions from 2 submitters: Uncertain significance (2). Last evaluated 2025-11-05.

Conditions:
Hereditary cancer-predisposing syndrome. Also called: Hereditary neoplastic syndrome; Neoplastic Syndromes, Hereditary; Tumor predisposition; Hereditary Cancer Syndrome. Identifiers: Orphanet 140162, MedGen C0027672, MeSH D009386, MONDO:0015356.

Submissions (2):

Quest Diagnostics Nichols Institute San Juan Capistrano
Classification: Uncertain significance. Last evaluated: 2025-11-05. Review status: criteria provided, single submitter. Criteria: Quest Diagnostics criteria. Collection method: clinical testing. Allele origin: unknown.
Comment: The APC c.2857A>C (p.Lys953Gln) variant has not been reported in individuals with APC-related conditions in the published literature. This variant has not been reported in large, multi-ethnic general populations (Genome Aggregation Database). Analysis of this variant using bioinformatics tools for the prediction of the effect of amino acid changes on protein structure and function yielded conflicting predictions that this variant is deleterious or benign. Based on the available information, we are unable to determine the clinical significance of this variant.

Ambry Genetics
Classification: Uncertain significance for Hereditary cancer-predisposing syndrome. Last evaluated: 2025-09-10. Review status: criteria provided, single submitter. Criteria: Ambry Variant Classification Scheme 2023. Collection method: clinical testing. Allele origin: germline.
Comment: The p.K953Q variant (also known as c.2857A>C), located in coding exon 15 of the APC gene, results from an A to C substitution at nucleotide position 2857. The lysine at codon 953 is replaced by glutamine, an amino acid with similar properties. This amino acid position is conserved. In addition, in silico predictors for this gene do not accurately predict pathogenicity. Based on the available evidence, the clinical significance of this variant remains unclear.